The following is an entry in ClinVar:

ClinVar aggregate classification (germline): Uncertain significance (1 of 4 stars; one submission).

Submission:

GeneDx
Classification: Uncertain significance. Last evaluated: 2012-07-10. Review status: criteria provided, single submitter. Criteria: GeneDx Variant Classification (06012015). Collection method: clinical testing. Allele origin: germline. Affected: yes.
Comment: The V60G missense substitution has not been published as a mutation, nor has it been reported as a benign polymorphism to our knowledge. Although V60G is a conservative amino acid substitution of one neutral and non-polar residue (Val) with another (Gly), the Val60 residue is highly conserved across species, but not in related proteins. Several missense mutations (F53S, T55P, and D67N) in proximity to V60G have been reported in association with CFC and Costello syndromes. Moreover, according to the NHLBI ESP Exome Variant Server, the V60G variant was not identified in approximately 6,500 samples from control individuals of European and African American backgrounds, indicating it is not a common benign variant in these populations. A variant of unknown significance has been identified and therefore this result cannot be interpreted for diagnosis or used for genetic counseling without further studies. The variant is found in NOONAN panel(s).

NM_002755.4(MAP2K1):c.179T>G (p.Val60Gly)

Gene: MAP2K1 (mitogen-activated protein kinase kinase 1; plus strand). Cytogenetic location: 15q22.31.
Variant type: single nucleotide variant.
Coding change: c.179T>G on transcript NM_002755.4 (MANE Select); coding-DNA position 179, T replaced by G.
Protein change: p.Val60Gly; replaces valine 60 with glycine.
Molecular consequence: missense variant.
Genome position (GRCh38, 1-based): chr15:66,435,125, T>G. VCF-style: chr15-66435125-T-G. GRCh37 (hg19) VCF-style: chr15-66727463-T-G.
Other names: p.V60G:GTG>GGG; short protein forms V60G.
Identifiers: ClinVar variation 40780 (VCV000040780.2), dbSNP rs730880501, ClinGen allele CA296106.